The following is an entry in ClinVar:

NM_001127671.2(LIFR):c.1042G>T (p.Glu348Ter)

Gene: LIFR (LIF receptor subunit alpha; minus strand). Cytogenetic location: 5p13.1.
Variant type: single nucleotide variant.
Coding change: c.1042G>T on transcript NM_001127671.2 (MANE Select); coding-DNA position 1042, G replaced by T.
Protein change: p.Glu348Ter; replaces glutamic acid 348 with a stop codon.
Molecular consequence: nonsense.
Genome position (GRCh38, 1-based): chr5:38,506,582, C>A on the plus strand (G>T on the coding strand, the complement: LIFR is on the minus strand). VCF-style: chr5-38506582-C-A. GRCh37 (hg19) VCF-style: chr5-38506684-C-A.
Other names: c.1042G>T, p.Glu348Ter (NM_001364297.2, NM_001364298.2, NM_002310.6); short protein forms E348*.
Identifiers: ClinVar variation 938324 (VCV000938324.7), dbSNP rs992038336, ClinGen allele CA359544571.

ClinVar aggregate classification (germline): Pathogenic (1 of 4 stars; one submission).

Submission:

Labcorp Genetics (formerly Invitae), Labcorp
Classification: Pathogenic. Last evaluated: 2022-08-04. Review status: criteria provided, single submitter. Criteria: Invitae Variant Classification Sherloc (09022015). Collection method: clinical testing. Allele origin: germline.
Comment: For these reasons, this variant has been classified as Pathogenic. Algorithms developed to predict the effect of sequence changes on RNA splicing suggest that this variant may disrupt the consensus splice site. ClinVar contains an entry for this variant (Variation ID: 938324). This variant has not been reported in the literature in individuals affected with LIFR-related conditions. This variant is not present in population databases (gnomAD no frequency). This sequence change creates a premature translational stop signal (p.Glu348*) in the LIFR gene. It is expected to result in an absent or disrupted protein product. Loss-of-function variants in LIFR are known to be pathogenic (PMID: 14740318).

Literature cited by the submitters: PubMed 14740318.